The following is an entry in ClinVar:

ClinVar aggregate classification (germline): Pathogenic (1 of 4 stars; one submission).

Conditions:
Congenital multicore myopathy with external ophthalmoplegia (CMYO1B). Also called: Minicore myopathy; MULTICORE MYOPATHY; Minicore myopathy with external ophthalmoplegia; MULTIMINICORE DISEASE WITH EXTERNAL OPHTHALMOPLEGIA; Congenital myopathy 1B, autosomal recessive. Identifiers: Orphanet 598, Orphanet 98905, MedGen C1850674, MONDO:0009712, OMIM 255320, HP:0003789.

Submission:

Women's Health and Genetics/Laboratory Corporation of America, LabCorp
Classification: Pathogenic for Congenital multicore myopathy with external ophthalmoplegia. Last evaluated: 2025-09-04. Review status: criteria provided, single submitter. Criteria: LabCorp Variant Classification Summary - May 2015. Collection method: clinical testing. Allele origin: germline.
Comment: Variant summary: RYR1 c.12924_12925delCA (p.Ser4309LeufsX273) results in a premature termination codon, predicted to cause a truncation of the encoded protein or absence of the protein due to nonsense mediated decay, which are commonly known mechanisms for disease. Loss-of-function variants in RYR1 are known to be pathogenic (PMID: 23919265, 25960145, 28818389, 30611313). The variant was absent in control chromosomes (gnomAD). To our knowledge, no occurrence of c.12924_12925delCA in individuals affected with RYR1-related conditions and no experimental evidence demonstrating its impact on protein function have been reported. No submitters have cited clinical-significance assessments for this variant to ClinVar. Based on the evidence outlined above, the variant was classified as pathogenic.

NM_000540.3(RYR1):c.12924_12925del (p.Ser4309fs)

Gene: RYR1 (ryanodine receptor 1; plus strand). Cytogenetic location: 19q13.2.
Variant type: Deletion.
Coding change: c.12924_12925del on transcript NM_000540.3 (MANE Select); coding-DNA positions 12924 to 12925, 2 bases deleted (CA; older notation c.12924_12925delCA).
Protein change: p.Ser4309fs; shifts the reading frame from serine 4309.
Molecular consequence: frameshift variant.
Genome position (GRCh38, 1-based): chr19:38,565,258-38,565,259, CA deleted. VCF-style (leftmost placement, unchanged base first): chr19-38565257-TCA-T. GRCh37 (hg19) VCF-style: chr19-39055897-TCA-T.
Other names: c.12909_12910del, p.Ser4304fs (NM_001042723.2); c.12924_12925delCA (NM_000540.3); short protein forms S4304fs, S4309fs.
Identifiers: ClinVar variation 4535781 (VCV004535781.1).